The following is an entry in ClinVar:

ClinVar aggregate classification (germline): Uncertain significance. Review status: criteria provided, multiple submitters, no conflicts (2 of 4 stars). 3 submissions from 3 submitters: Uncertain significance (3). Last evaluated 2025-01-27.

Conditions:
Familial cancer of breast. Also called: BREAST CANCER, FAMILIAL; Hereditary breast cancer; hereditary breast carcinoma. Identifiers: Orphanet 227535, MedGen C0346153, MONDO:0016419, OMIM 114480. Disease mechanism: loss of function.
Hereditary cancer-predisposing syndrome. Also called: Neoplastic Syndromes, Hereditary; Tumor predisposition; Hereditary neoplastic syndrome; Hereditary Cancer Syndrome. Identifiers: Orphanet 140162, MedGen C0027672, MeSH D009386, MONDO:0015356.

gnomAD v4.1: 1 of 1,614,074 alleles (0.000062%); no homozygotes.

Submissions (3):

Dasa
Classification: Uncertain significance. Last evaluated: 2025-01-27. Review status: criteria provided, single submitter. Criteria: DASA Assertion Criteria. Collection method: clinical testing. Allele origin: germline.
Comment: NM_007194.4(CHEK2):c.481G>C (p.Glu161Gln) is a missense variant that results in the substitution of glutamic acid with glutamine. This variant is rare in population databases. The currently available literature and clinical evidence are not sufficient to establish a definitive association between this variant and the reported condition. Therefore, this variant is classified as a variant of uncertain significance.

Ambry Genetics
Classification: Uncertain significance for Hereditary cancer-predisposing syndrome. Last evaluated: 2019-02-20. Review status: criteria provided, single submitter. Criteria: Ambry Variant Classification Scheme 2023. Collection method: clinical testing. Allele origin: germline.
Comment: The p.E161Q variant (also known as c.481G>C), located in coding exon 3 of the CHEK2 gene, results from a G to C substitution at nucleotide position 481. The glutamic acid at codon 161 is replaced by glutamine, an amino acid with highly similar properties. This amino acid position is highly conserved in available vertebrate species. In addition, this alteration is predicted to be deleterious by in silico analysis. Since supporting evidence is limited at this time, the clinical significance of this alteration remains unclear.

Labcorp Genetics (formerly Invitae), Labcorp
Classification: Uncertain significance for Familial cancer of breast. Last evaluated: 2017-04-10. Review status: criteria provided, single submitter. Criteria: Invitae Variant Classification Sherloc (09022015). Collection method: clinical testing. Allele origin: germline.
Comment: In summary, this variant is a novel missense change with uncertain impact on protein function. It has been classified as a Variant of Uncertain Significance. Algorithms developed to predict the effect of missense changes on protein structure and function (SIFT, PolyPhen-2, Align-GVGD) all suggest that this variant is likely to be disruptive, but these predictions have not been confirmed by published functional studies. This variant is not present in population databases (ExAC no frequency) and has not been reported in the literature in individuals with a CHEK2-related disease. This sequence change replaces glutamic acid with glutamine at codon 161 of the CHEK2 protein (p.Glu161Gln). The glutamic acid residue is highly conserved and there is a small physicochemical difference between glutamic acid and glutamine.

NM_007194.4(CHEK2):c.481G>C (p.Glu161Gln)

Gene: CHEK2 (checkpoint kinase 2; minus strand). Cytogenetic location: 22q12.1.
Variant type: single nucleotide variant.
Coding change: c.481G>C on transcript NM_007194.4 (MANE Select); coding-DNA position 481, G replaced by C.
Protein change: p.Glu161Gln; replaces glutamic acid 161 with glutamine.
Molecular consequence: missense variant. On other transcripts: 5 prime UTR variant (2), intron variant (1).
Genome position (GRCh38, 1-based): chr22:28,725,088, C>G on the plus strand (G>C on the coding strand, the complement: CHEK2 is on the minus strand). VCF-style: chr22-28725088-C-G. GRCh37 (hg19) VCF-style: chr22-29121076-C-G.
Other names: c.610G>C, p.Glu204Gln (NM_001005735.3, NM_001438294.1); c.-297G>C (NM_001257387.3); c.-183G>C (NM_001437942.1); c.574G>C, p.Glu192Gln (NM_001438293.1, NM_001438295.1); c.481G>C, p.Glu161Gln (NM_145862.3); c.444+155G>C (NM_001349956.3); short protein forms E161Q, E204Q, E192Q.
Identifiers: ClinVar variation 460838 (VCV000460838.16), dbSNP rs1555926951, ClinGen allele CA411107591.
Genomic context (GRCh38, chr22:28,725,088, plus strand): 5'-GGCGTTTTCCTTTCCCTACAAGCTCTGTATTTACAAAGGTTCCATTGCCACTGTGATCTT[C>G]TATGTATGCAATGTAAGAGTTTTTAGGACCCACTTCCTAAAATAGAGAACATTTTGTTTC-3'
Protein context (NP_009125.1, residues 151-171): GPKNSYIAYI[Glu161Gln]DHSGNGTFVN